The following is an entry in ClinVar:

NM_173728.4(ARHGEF15):c.719G>A (p.Arg240Gln)

Gene: ARHGEF15 (Rho guanine nucleotide exchange factor 15; plus strand). Cytogenetic location: 17p13.1.
Variant type: single nucleotide variant.
Coding change: c.719G>A on transcript NM_173728.4 (MANE Select); coding-DNA position 719, G replaced by A.
Protein change: p.Arg240Gln; replaces arginine 240 with glutamine.
Molecular consequence: missense variant.
Genome position (GRCh38, 1-based): chr17:8,313,039, G>A. VCF-style: chr17-8313039-G-A. GRCh37 (hg19) VCF-style: chr17-8216357-G-A.
Other names: c.719G>A, p.Arg240Gln (NM_025014.2); short protein forms R240Q.
Identifiers: ClinVar variation 2739367 (VCV002739367.3), dbSNP rs746815306, ClinGen allele CA8374965.
Genomic context (GRCh38, chr17:8,313,039, plus strand): 5'-GCCTGGAGCTCAGATGGGTGCCTGTGGGGGGCTATGAGGAGGTCCCCAGGGTCCCCCGTC[G>A]GGCCTCCCCGCTGCGGACCTCTCGCTCCCGCCCCCACCCTCCAAGCATCGGTCACCCTGC-3'
Protein context (NP_776089.2, residues 230-250): GYEEVPRVPR[Arg240Gln]ASPLRTSRSR

ClinVar aggregate classification (germline): Uncertain significance (1 of 4 stars; one submission).

Conditions:
Early-infantile DEE. Also called: Early infantile epileptic encephalopathy with suppression bursts; Early infantile epileptic encephalopathy; Ohtahara syndrome. Identifiers: Orphanet 1934, MedGen C0393706, MONDO:0800491.

Allele frequency attached by ClinVar (database versions not stated): gnomAD exomes 0.00001; TOPMed 0.00001; ExAC 0.00003; gnomAD 0.00003.

Submission:

Labcorp Genetics (formerly Invitae), Labcorp
Classification: Uncertain significance for Early-infantile DEE. Last evaluated: 2024-04-29. Review status: criteria provided, single submitter. Criteria: Invitae Variant Classification Sherloc (09022015). Collection method: clinical testing. Allele origin: germline.
Comment: This sequence change replaces arginine, which is basic and polar, with glutamine, which is neutral and polar, at codon 240 of the ARHGEF15 protein (p.Arg240Gln). This variant is present in population databases (rs746815306, gnomAD 0.01%). This variant has not been reported in the literature in individuals affected with ARHGEF15-related conditions. An algorithm developed to predict the effect of missense changes on protein structure and function (PolyPhen-2) suggests that this variant is likely to be disruptive. In summary, the available evidence is currently insufficient to determine the role of this variant in disease. Therefore, it has been classified as a Variant of Uncertain Significance.